The following is an entry in ClinVar:

NM_000548.5(TSC2):c.2023G>A (p.Ala675Thr)

Gene: TSC2 (TSC complex subunit 2; plus strand). Cytogenetic location: 16p13.3.
Variant type: single nucleotide variant.
Coding change: c.2023G>A on transcript NM_000548.5 (MANE Select); coding-DNA position 2023, G replaced by A.
Protein change: p.Ala675Thr; replaces alanine 675 with threonine.
Molecular consequence: missense variant.
Genome position (GRCh38, 1-based): chr16:2,071,860, G>A. VCF-style: chr16-2071860-G-A. GRCh37 (hg19) VCF-style: chr16-2121861-G-A.
Other names: c.2023G>A, p.Ala675Thr (NM_001077183.3, NM_001114382.3, NM_001363528.2 and 3 more transcripts); c.1912G>A, p.Ala638Thr (NM_001318827.2); c.1876G>A, p.Ala626Thr (NM_001318829.2); c.1423G>A, p.Ala475Thr (NM_001318831.2); c.2056G>A, p.Ala686Thr (NM_001318832.2); c.2023G>A (NM_000548.4); short protein forms A675T, A475T, A638T, A626T, A686T.
Identifiers: ClinVar variation 237975 (VCV000237975.13), dbSNP rs764840082, ClinGen allele CA10583300.

ClinVar aggregate classification (germline): Conflicting classifications of pathogenicity. Review status: criteria provided, conflicting classifications (1 of 4 stars). 3 submissions from 3 submitters: Uncertain significance (2); Benign (1). Last evaluated 2025-10-17.

Conditions:
Hereditary cancer-predisposing syndrome. Also called: Tumor predisposition; Hereditary Cancer Syndrome; Hereditary neoplastic syndrome; Neoplastic Syndromes, Hereditary. Identifiers: Orphanet 140162, MedGen C0027672, MeSH D009386, MONDO:0015356.
Ovarian cancer. Also called: OVARIAN CANCER, SOMATIC. Identifiers: Orphanet 213500, MedGen C1140680, MONDO:0008170, OMIM 167000.
Tuberous sclerosis 2 (TSC2). Identifiers: Orphanet 805, MedGen C1860707, MONDO:0013199, OMIM 613254.

Submissions (3):

Ambry Genetics
Classification: Uncertain significance for Hereditary cancer-predisposing syndrome. Last evaluated: 2025-10-17. Review status: criteria provided, single submitter. Criteria: Ambry Variant Classification Scheme 2023. Collection method: clinical testing. Allele origin: germline.
Comment: The p.A675T variant (also known as c.2023G>A), located in coding exon 18 of the TSC2 gene, results from a G to A substitution at nucleotide position 2023. The alanine at codon 675 is replaced by threonine, an amino acid with similar properties. This amino acid position is conserved. In addition, this alteration is predicted to be tolerated by in silico analysis. Since supporting evidence is limited at this time, the clinical significance of this alteration remains unclear.

Labcorp Genetics (formerly Invitae), Labcorp
Classification: Uncertain significance for Tuberous sclerosis 2. Last evaluated: 2025-02-27. Review status: criteria provided, single submitter. Criteria: Invitae Variant Classification Sherloc (09022015). Collection method: clinical testing. Allele origin: germline.
Comment: This sequence change replaces alanine, which is neutral and non-polar, with threonine, which is neutral and polar, at codon 675 of the TSC2 protein (p.Ala675Thr). This variant is not present in population databases (gnomAD no frequency). This variant has not been reported in the literature in individuals affected with TSC2-related conditions. ClinVar contains an entry for this variant (Variation ID: 237975). Invitae Evidence Modeling of protein sequence and biophysical properties (such as structural, functional, and spatial information, amino acid conservation, physicochemical variation, residue mobility, and thermodynamic stability) indicates that this missense variant is not expected to disrupt TSC2 protein function with a negative predictive value of 95%. In summary, the available evidence is currently insufficient to determine the role of this variant in disease. Therefore, it has been classified as a Variant of Uncertain Significance.

Laboratory of Molecular Epidemiology of Birth Defects, West China Second University Hospital, Sichuan University
Classification: Benign for Ovarian cancer. Last evaluated: 2022-01-01. Review status: criteria provided, single submitter. Criteria: ACMG Guidelines, 2015. Collection method: clinical testing. Allele origin: germline. Affected: yes.